The following is an entry in ClinVar:

NM_001148.6(ANK2):c.8892C>G (p.Ile2964Met)

Gene: ANK2 (ankyrin 2; plus strand). Cytogenetic location: 4q26.
Variant type: single nucleotide variant.
Coding change: c.8892C>G on transcript NM_001148.6 (MANE Select); coding-DNA position 8892, C replaced by G.
Protein change: p.Ile2964Met; replaces isoleucine 2964 with methionine.
Molecular consequence: missense variant. On other transcripts: intron variant (68).
Genome position (GRCh38, 1-based): chr4:113,357,510, C>G. VCF-style: chr4-113357510-C-G. GRCh37 (hg19) VCF-style: chr4-114278666-C-G.
Other names: c.8658C>G, p.Ile2886Met (NM_001386142.1); c.5292C>G, p.Ile1764Met (NM_001386166.1); c.9033C>G, p.Ile3011Met (NM_001386174.1); c.9009C>G, p.Ile3003Met (NM_001386175.1); c.4412-3313C>G (NM_001386186.2, NM_001386148.2); c.4214-3313C>G (NM_001354269.3); c.4292-3313C>G (NM_001386187.2); c.4253-3313C>G (NM_001386147.1); and 35 more; short protein forms I2964M, I1764M, I2886M, I3003M, I3011M.
Identifiers: ClinVar variation 264239 (VCV000264239.21), dbSNP rs62313245, ClinGen allele CA3051842.

ClinVar aggregate classification (germline): Conflicting classifications of pathogenicity. Review status: criteria provided, conflicting classifications (1 of 4 stars). 5 submissions from 5 submitters: Uncertain significance (4); Likely benign (1). Last evaluated 2026-01-25.

Conditions:
Cardiovascular phenotype. Identifiers: MedGen CN230736.
Cardiac arrhythmia, ankyrin-B-related. Also called: ANKYRIN-B SYNDROME. Identifiers: Orphanet 101016, Orphanet 768, MedGen C1970119, MONDO:0010958, OMIM 600919.
Long QT syndrome (LQTS). Identifiers: MedGen C0023976, MeSH D008133, MONDO:0002442. Disease mechanism: loss of function. Inheritance: Various modes of inheritance.

Allele frequency attached by ClinVar (database versions not stated): gnomAD 0.00013 and 0.00014; ExAC 0.00014; 1000 Genomes Project 30x 0.00016; TOPMed 0.00016; 1000 Genomes Project 0.00020; ESP Exome Variant Server 0.00031.
gnomAD v4.1: 486 of 1,614,116 alleles (0.03%); highest among the groups gnomAD compares: Non-Finnish European, 0.038%; no homozygotes.

Submissions (5):

GeneDx
Classification: Uncertain significance. Last evaluated: 2026-01-25. Review status: criteria provided, single submitter. Criteria: GeneDx Variant Classification Process June 2021. Collection method: clinical testing. Allele origin: germline. Affected: yes.
Comment: In silico analysis suggests that this missense variant does not alter protein structure/function; Located in exon 38, which is reported as being expressed in a brain-specific transcript (PMID: 1830053, 18790697, 26109584); Has not been previously published as pathogenic or benign to our knowledge; This variant is associated with the following publications: (PMID: 1830053, 18790697, 26109584)

Labcorp Genetics (formerly Invitae), Labcorp
Classification: Uncertain significance for Long QT syndrome. Last evaluated: 2026-01-22. Review status: criteria provided, single submitter. Criteria: Invitae Variant Classification Sherloc (09022015). Collection method: clinical testing. Allele origin: germline.
Comment: This sequence change replaces isoleucine, which is neutral and non-polar, with methionine, which is neutral and non-polar, at codon 2964 of the ANK2 protein (p.Ile2964Met). This variant is present in population databases (rs62313245, gnomAD 0.03%), and has an allele count higher than expected for a pathogenic variant. This variant has not been reported in the literature in individuals affected with ANK2-related conditions. ClinVar contains an entry for this variant (Variation ID: 264239). An algorithm developed to predict the effect of missense changes on protein structure and function (PolyPhen-2) suggests that this variant is likely to be disruptive. In summary, the available evidence is currently insufficient to determine the role of this variant in disease. Therefore, it has been classified as a Variant of Uncertain Significance.

Ambry Genetics
Classification: Likely benign for Cardiovascular phenotype. Last evaluated: 2019-12-06. Review status: criteria provided, single submitter. Criteria: Ambry Variant Classification Scheme 2023. Collection method: clinical testing. Allele origin: germline.

Fulgent Genetics
Classification: Uncertain significance for Cardiac arrhythmia, ankyrin-B-related. Last evaluated: 2018-10-31. Review status: criteria provided, single submitter. Criteria: ACMG Guidelines, 2015. Collection method: clinical testing. Allele origin: unknown.

Illumina Laboratory Services, Illumina
Classification: Uncertain significance for Cardiac arrhythmia, ankyrin-B-related. Last evaluated: 2018-01-12. Review status: criteria provided, single submitter. Criteria: ICSL Variant Classification Criteria 13 December 2019. Collection method: clinical testing. Allele origin: germline.